The following is an entry in ClinVar:

ClinVar aggregate classification (germline): Uncertain significance. Review status: criteria provided, multiple submitters, no conflicts (2 of 4 stars). 3 submissions from 3 submitters: Uncertain significance (3). Last evaluated 2025-05-06.

Allele frequency attached by ClinVar (database versions not stated): TOPMed 0.00002; gnomAD 0.00003; gnomAD exomes 0.00005 and 0.00011; ExAC 0.00007.

Submissions (3):

Ambry Genetics
Classification: Uncertain significance. Last evaluated: 2025-05-06. Review status: criteria provided, single submitter. Criteria: Ambry Variant Classification Scheme 2023. Collection method: clinical testing. Allele origin: germline.

Labcorp Genetics (formerly Invitae), Labcorp
Classification: Uncertain significance. Last evaluated: 2024-06-24. Review status: criteria provided, single submitter. Criteria: Invitae Variant Classification Sherloc (09022015). Collection method: clinical testing. Allele origin: germline.
Comment: This sequence change replaces arginine, which is basic and polar, with glutamine, which is neutral and polar, at codon 1187 of the DHX38 protein (p.Arg1187Gln). This variant is present in population databases (rs766256373, gnomAD 0.06%). This variant has not been reported in the literature in individuals affected with DHX38-related conditions. ClinVar contains an entry for this variant (Variation ID: 957758). Advanced modeling of protein sequence and biophysical properties (such as structural, functional, and spatial information, amino acid conservation, physicochemical variation, residue mobility, and thermodynamic stability) performed at Invitae indicates that this missense variant is not expected to disrupt DHX38 protein function with a negative predictive value of 80%. In summary, the available evidence is currently insufficient to determine the role of this variant in disease. Therefore, it has been classified as a Variant of Uncertain Significance.

Blueprint Genetics
Classification: Uncertain significance. Last evaluated: 2021-04-21. Review status: criteria provided, single submitter. Criteria: ACMG Guidelines, 2015. Collection method: clinical testing. Allele origin: germline.

NM_014003.4(DHX38):c.3560G>A (p.Arg1187Gln)

Gene: DHX38 (DEAH-box helicase 38; plus strand). Cytogenetic location: 16q22.2.
Variant type: single nucleotide variant.
Coding change: c.3560G>A on transcript NM_014003.4 (MANE Select); coding-DNA position 3560, G replaced by A.
Protein change: p.Arg1187Gln; replaces arginine 1187 with glutamine.
Molecular consequence: missense variant.
Genome position (GRCh38, 1-based): chr16:72,111,038, G>A. VCF-style: chr16-72111038-G-A. GRCh37 (hg19) VCF-style: chr16-72144937-G-A.
Other names: short protein forms R1187Q.
Identifiers: ClinVar variation 957758 (VCV000957758.11), dbSNP rs766256373, ClinGen allele CA8161031.